The following is an entry in ClinVar:

ClinVar aggregate classification (germline): Pathogenic (1 of 4 stars; one submission).

Submission:

Labcorp Genetics (formerly Invitae), Labcorp
Classification: Pathogenic. Last evaluated: 2025-08-19. Review status: criteria provided, single submitter. Criteria: Invitae Variant Classification Sherloc (09022015). Collection method: clinical testing. Allele origin: germline.
Comment: This sequence change creates a premature translational stop signal (p.Ala1130Leufs*2) in the TTC37 gene. It is expected to result in an absent or disrupted protein product. Loss-of-function variants in TTC37 are known to be pathogenic (PMID: 20176027, 21120949). This variant is not present in population databases (gnomAD no frequency). This variant has not been reported in the literature in individuals affected with TTC37-related conditions. For these reasons, this variant has been classified as Pathogenic.

Literature cited by the submitters: PubMed 20176027; PubMed 21120949.

NM_014639.4(SKIC3):c.3388del (p.Ala1130fs)

Gene: SKIC3 (SKI3 subunit of superkiller complex; minus strand). Cytogenetic location: 5q15.
Variant type: Deletion.
Coding change: c.3388del on transcript NM_014639.4 (MANE Select); coding-DNA position 3388, one base deleted (G; older notation c.3388delG).
Protein change: p.Ala1130fs; shifts the reading frame from alanine 1130.
Molecular consequence: frameshift variant.
Genome position (GRCh38, 1-based): chr5:95,498,545, C deleted on the plus strand (G on the coding strand, the reverse complement: SKIC3 is on the minus strand). VCF-style (leftmost placement, unchanged base first): chr5-95498544-GC-G. GRCh37 (hg19) VCF-style: chr5-94834248-GC-G.
Other names: short protein forms A1130fs.
Identifiers: ClinVar variation 4725287 (VCV004725287.1).
Genomic context (GRCh38, chr5:95,498,544, plus strand): 5'-TTCAGTAACTCATTAAGTGCTGCTTTTGACAGTGTAGCATCCTGCATTGCCAACCCTAGA[GC>G]ACACAGGGCTTGAAGGCTTTCTGTGGTTGGTTCCTTTAAGATAGAGCTGTAAAGATATTT-3'